The following is an entry in ClinVar:

ClinVar aggregate classification (germline): Likely benign. Review status: criteria provided, multiple submitters, no conflicts (2 of 4 stars). 4 submissions from 4 submitters: Likely benign (3). 1 of the submissions does not count toward it. Last evaluated 2025-11-28.

Conditions:
Nephronophthisis 4 (NPHP4). Also called: NEPHRONOPHTHISIS 4, JUVENILE. Identifiers: Orphanet 655, MedGen C1847013, MONDO:0011752, OMIM 606966.
Senior-Loken syndrome 4 (SLSN4). Identifiers: Orphanet 3156, MedGen C1846979, MONDO:0011756, OMIM 606996.
Nephronophthisis. Also called: Juvenile Nephronophthisis. Identifiers: Orphanet 655, MedGen C0687120, MONDO:0019005, HP:0000090.
NPHP4-related disorder. Also called: NPHP4-related disorders; NPHP4-related condition. Identifiers: MedGen CN239384.

Allele frequency attached by ClinVar (database versions not stated): gnomAD 0.00004 and 0.00006; gnomAD exomes 0.00005; TOPMed 0.00005; ExAC 0.00016.
gnomAD v4.1: 78 of 1,578,820 alleles (0.0049%); highest among the groups gnomAD compares: East Asian, 0.028%; no homozygotes.

Submissions (4):

Labcorp Genetics (formerly Invitae), Labcorp
Classification: Likely benign for Nephronophthisis. Last evaluated: 2025-11-28. Review status: criteria provided, single submitter. Criteria: Invitae Variant Classification Sherloc (09022015). Collection method: clinical testing. Allele origin: germline.

Blueprint Genetics
Classification: Likely benign. Last evaluated: 2024-07-16. Review status: criteria provided, single submitter. Criteria: ACMG Guidelines, 2015. Collection method: clinical testing. Allele origin: germline.

Fulgent Genetics
Classification: Likely benign for Nephronophthisis 4; Senior-Loken syndrome 4. Last evaluated: 2022-04-28. Review status: criteria provided, single submitter. Criteria: ACMG Guidelines, 2015. Collection method: clinical testing. Allele origin: unknown.

PreventionGenetics, part of Exact Sciences
Classification: Likely benign for NPHP4-related condition. Last evaluated: 2019-09-19. Review status: no assertion criteria provided. Collection method: clinical testing. Allele origin: germline. Not counted in ClinVar's aggregate classification.
Comment: This variant is classified as likely benign based on ACMG/AMP sequence variant interpretation guidelines (Richards et al. 2015 PMID: 25741868, with internal and published modifications).

NM_015102.5(NPHP4):c.828C>T (p.Asp276=)

Gene: NPHP4 (nephrocystin 4; minus strand). Cytogenetic location: 1p36.31.
Variant type: single nucleotide variant.
Coding change: c.828C>T on transcript NM_015102.5 (MANE Select); coding-DNA position 828, C replaced by T.
Protein change: p.Asp276=; no amino-acid change (aspartic acid 276 retained).
Molecular consequence: synonymous variant. On other transcripts: 5 prime UTR variant (2), non-coding transcript variant (1).
Genome position (GRCh38, 1-based): chr1:5,948,234, G>A on the plus strand (C>T on the coding strand, the complement: NPHP4 is on the minus strand). VCF-style: chr1-5948234-G-A. GRCh37 (hg19) VCF-style: chr1-6008294-G-A.
Other names: c.828C>T (NM_015102.4); c.-539C>T (NM_001291593.2, NM_001291594.2).
Identifiers: ClinVar variation 1580824 (VCV001580824.12), dbSNP rs765113652, ClinGen allele CA554725.